The following is an entry in ClinVar:

ClinVar aggregate classification (germline): Likely benign. Review status: criteria provided, multiple submitters, no conflicts (2 of 4 stars). 3 submissions from 3 submitters: Likely benign (2). 1 of the submissions does not count toward it. Last evaluated 2026-02-01.

Conditions:
RTEL1-related disorder. Also called: RTEL1-related disorders; RTEL1-related condition.
Pulmonary fibrosis and/or bone marrow failure, Telomere-related, 3. Also called: PULMONARY FIBROSIS AND/OR BONE MARROW FAILURE SYNDROME, TELOMERE-RELATED, 3. Identifiers: Orphanet 2032, MedGen C4225346, MONDO:0014613, OMIM 616373.
Dyskeratosis congenita, autosomal recessive 5 (DKCB5). Identifiers: MedGen C3554656, MONDO:0014076, OMIM 615190.
Inborn genetic diseases. Identifiers: MedGen C0950123, MeSH D030342.

Allele frequency attached by ClinVar (database versions not stated): ExAC 0.00001; gnomAD 0.00001; gnomAD exomes 0.00002 and 0.00001; TOPMed 0.00002; ESP Exome Variant Server 0.00008.
gnomAD v4.1: 32 of 1,613,904 alleles (0.002%); highest among the groups gnomAD compares: Non-Finnish European, 0.0027%; no homozygotes.

Submissions (3):

Labcorp Genetics (formerly Invitae), Labcorp
Classification: Likely benign for Dyskeratosis congenita, autosomal recessive 5; Pulmonary fibrosis and/or bone marrow failure, Telomere-related, 3. Last evaluated: 2026-02-01. Review status: criteria provided, single submitter. Criteria: Invitae Variant Classification Sherloc (09022015). Collection method: clinical testing. Allele origin: germline.

Ambry Genetics
Classification: Likely benign for Inborn genetic diseases. Last evaluated: 2024-12-12. Review status: criteria provided, single submitter. Criteria: Ambry Variant Classification Scheme 2023. Collection method: clinical testing. Allele origin: germline.

PreventionGenetics, part of Exact Sciences
Classification: Likely benign for RTEL1-related condition. Last evaluated: 2019-09-11. Review status: no assertion criteria provided. Collection method: clinical testing. Allele origin: germline. Not counted in ClinVar's aggregate classification.
Comment: This variant is classified as likely benign based on ACMG/AMP sequence variant interpretation guidelines (Richards et al. 2015 PMID: 25741868, with internal and published modifications).

NM_001283009.2(RTEL1):c.546C>T (p.Ser182=)

Genes: RTEL1 (regulator of telomere elongation helicase 1; plus strand), RTEL1-TNFRSF6B (RTEL1-TNFRSF6B readthrough (NMD candidate); plus strand). Cytogenetic location: 20q13.33.
Variant type: single nucleotide variant.
Coding change: c.546C>T on transcript NM_001283009.2 (MANE Select); coding-DNA position 546, C replaced by T.
Protein change: p.Ser182=; no amino-acid change (serine 182 retained).
Molecular consequence: synonymous variant. On other transcripts: non-coding transcript variant (1), 5 prime UTR variant (1).
Genome position (GRCh38, 1-based): chr20:63,666,011, C>T. VCF-style: chr20-63666011-C-T. GRCh37 (hg19) VCF-style: chr20-62297364-C-T.
Other names: c.618C>T (NM_032957.4); c.-124C>T (NM_001283010.1); c.546C>T, p.Ser182= (NM_016434.4); c.618C>T, p.Ser206= (NM_032957.5).
Identifiers: ClinVar variation 1129798 (VCV001129798.12), dbSNP rs145902382, ClinGen allele CA9964336.